The following is an entry in ClinVar:

NM_000059.4(BRCA2):c.2209_2216del (p.Ala737fs)

Gene: BRCA2 (BRCA2 DNA repair associated; plus strand). Cytogenetic location: 13q13.1.
Variant type: Deletion.
Coding change: c.2209_2216del on transcript NM_000059.4 (MANE Select); coding-DNA positions 2209 to 2216, 8 bases deleted (GCATGTCA; older notation c.2209_2216delGCATGTCA).
Protein change: p.Ala737fs; shifts the reading frame from alanine 737.
Molecular consequence: frameshift variant.
Genome position (GRCh38, 1-based): chr13:32,336,564-32,336,571, GCATGTCA deleted; deleting any 8 consecutive bases within chr13:32,336,562-32,336,571 gives the same sequence; the c. name uses the placement nearest the transcript's 3' end. VCF-style (leftmost placement, unchanged base first): chr13-32336561-GCAGCATGT-G. GRCh37 (hg19) VCF-style: chr13-32910698-GCAGCATGT-G.
Other names: 2437_2444del; short protein forms A737fs.
Identifiers: ClinVar variation 266686 (VCV000266686.5), dbSNP rs886040413, ClinGen allele CA10589143.

ClinVar aggregate classification (germline): Pathogenic. Review status: reviewed by expert panel (3 of 4 stars). 2 submissions from 2 submitters: Pathogenic (1). 1 of the submissions does not count toward it. Last evaluated 2016-10-18.

Conditions:
Breast-ovarian cancer, familial, susceptibility to, 2 (BROVCA2). Also called: BRCA2 Hereditary Breast and Ovarian Cancer. Identifiers: Orphanet 145, MedGen C2675520, MONDO:0012933, OMIM 612555. Disease mechanism: loss of function.

Submissions (2):

Evidence-based Network for the Interpretation of Germline Mutant Alleles (ENIGMA)
Classification: Pathogenic for Breast-ovarian cancer, familial, susceptibility to, 2. Last evaluated: 2016-10-18. Review status: reviewed by expert panel. Criteria: ENIGMA BRCA1/2 Classification Criteria (2015). Collection method: curation. Allele origin: germline.
Comment: Variant allele predicted to encode a truncated non-functional protein.

Consortium of Investigators of Modifiers of BRCA1/2 (CIMBA), c/o University of Cambridge
Classification: Pathogenic for Breast-ovarian cancer, familial, susceptibility to, 2. Last evaluated: 2015-10-02. Review status: criteria provided, single submitter. Criteria: CIMBA Mutation Classification guidelines May 2016. Collection method: clinical testing. Allele origin: germline. Not counted in ClinVar's aggregate classification.